The following is an entry in ClinVar:

ClinVar aggregate classification (germline): Uncertain significance (1 of 4 stars; one submission).

Conditions:
Propionic acidemia (PROP). Also called: GLYCINEMIA, KETOTIC; HYPERGLYCINEMIA WITH KETOACIDOSIS AND LEUKOPENIA; KETOTIC HYPERGLYCINEMIA. Identifiers: Orphanet 35, MedGen C0268579, MONDO:0011628, OMIM 606054, HP:0003571.

Submission:

Labcorp Genetics (formerly Invitae), Labcorp
Classification: Uncertain significance for Propionic acidemia. Last evaluated: 2023-12-10. Review status: criteria provided, single submitter. Criteria: Invitae Variant Classification Sherloc (09022015). Collection method: clinical testing. Allele origin: germline.
Comment: This sequence change replaces serine, which is neutral and polar, with glycine, which is neutral and non-polar, at codon 30 of the PCCB protein (p.Ser30Gly). This variant is not present in population databases (gnomAD no frequency). This variant has not been reported in the literature in individuals affected with PCCB-related conditions. Advanced modeling of protein sequence and biophysical properties (such as structural, functional, and spatial information, amino acid conservation, physicochemical variation, residue mobility, and thermodynamic stability) has been performed at Invitae for this missense variant, however the output from this modeling did not meet the statistical confidence thresholds required to predict the impact of this variant on PCCB protein function. In summary, the available evidence is currently insufficient to determine the role of this variant in disease. Therefore, it has been classified as a Variant of Uncertain Significance.

NM_000532.5(PCCB):c.88A>G (p.Ser30Gly)

Gene: PCCB (propionyl-CoA carboxylase subunit beta; plus strand). Cytogenetic location: 3q22.3.
Variant type: single nucleotide variant.
Coding change: c.88A>G on transcript NM_000532.5 (MANE Select); coding-DNA position 88, A replaced by G.
Protein change: p.Ser30Gly; replaces serine 30 with glycine.
Molecular consequence: missense variant.
Genome position (GRCh38, 1-based): chr3:136,250,463, A>G. VCF-style: chr3-136250463-A-G. GRCh37 (hg19) VCF-style: chr3-135969305-A-G.
Other names: c.88A>G, p.Ser30Gly (NM_001178014.2); short protein forms S30G.
Identifiers: ClinVar variation 2791349 (VCV002791349.3), dbSNP rs2529731623, ClinGen allele CA354737961.